The following is an entry in ClinVar:

ClinVar aggregate classification (germline): Uncertain significance (1 of 4 stars; one submission).

Conditions:
Generalized epilepsy-paroxysmal dyskinesia syndrome (PNKD3). Also called: Generalized epilepsy and paroxysmal dyskinesia; Paroxysmal nonkinesigenic dyskinesia, 3, with or without generalized epilepsy. Identifiers: Orphanet 79137, MedGen C5574945, MONDO:0012276, OMIM 609446.

Submission:

Labcorp Genetics (formerly Invitae), Labcorp
Classification: Uncertain significance for Generalized epilepsy-paroxysmal dyskinesia syndrome. Last evaluated: 2017-09-03. Review status: criteria provided, single submitter. Criteria: Invitae Variant Classification Sherloc (09022015). Collection method: clinical testing. Allele origin: germline.
Comment: This sequence change replaces glycine with arginine at codon 157 of the KCNMA1 protein (p.Gly157Arg). The glycine residue is moderately conserved and there is a moderate physicochemical difference between glycine and arginine. In summary, the available evidence is currently insufficient to determine the role of this variant in disease. Therefore, it has been classified as a Variant of Uncertain Significance. Algorithms developed to predict the effect of missense changes on protein structure and function do not agree on the potential impact of this missense change (SIFT: "Tolerated"; PolyPhen-2: "Probably Damaging"; Align-GVGD: "Class C0"). This variant has not been reported in the literature in individuals with KCNMA1-related disease. This variant is not present in population databases (ExAC no frequency).

NM_001161352.2(KCNMA1):c.469G>C (p.Gly157Arg)

Gene: KCNMA1 (potassium calcium-activated channel subfamily M alpha 1; minus strand). Cytogenetic location: 10q22.3.
Variant type: single nucleotide variant.
Coding change: c.469G>C on transcript NM_001161352.2 (MANE Select); coding-DNA position 469, G replaced by C.
Protein change: p.Gly157Arg; replaces glycine 157 with arginine.
Molecular consequence: missense variant. On other transcripts: intron variant (1).
Genome position (GRCh38, 1-based): chr10:77,403,933, C>G on the plus strand (G>C on the coding strand, the complement: KCNMA1 is on the minus strand). VCF-style: chr10-77403933-C-G. GRCh37 (hg19) VCF-style: chr10-79163691-C-G.
Other names: c.469G>C, p.Gly157Arg (NM_001014797.3, NM_001161353.2, NM_001271519.2 and 7 more transcripts); c.379-152677G>C (NM_001271518.2); short protein forms G157R.
Identifiers: ClinVar variation 532939 (VCV000532939.9), dbSNP rs767576877, ClinGen allele CA377411077.